The following is an entry in ClinVar:

ClinVar aggregate classification (germline): Uncertain significance (1 of 4 stars; one submission).

Conditions:
Melnick-Needles syndrome (MNS). Also called: MELNICK-NEEDLES OSTEODYSPLASTY; OSTEODYSPLASTY OF MELNICK AND NEEDLES; Melnick-Needles Syndrome (FLNA-MNS). Identifiers: Orphanet 2484, MedGen C0025237, MONDO:0010650, OMIM 309350.
Heterotopia, periventricular, X-linked dominant (PVNH1). Also called: PERIVENTRICULAR NODULAR HETEROTOPIA 1; X-linked periventricular heterotopia; PERIVENTRICULAR NODULAR HETEROTOPIA 4; HETEROTOPIA, PERIVENTRICULAR, 1. Identifiers: Orphanet 2149, Orphanet 82004, MedGen C1848213, MONDO:0010233, OMIM 300049.
Frontometaphyseal dysplasia (FMD1). Identifiers: Orphanet 1826, MedGen C0265293, MONDO:0015942.
Oto-palato-digital syndrome, type II (OPD2). Also called: FACIOPALATOOSSEOUS SYNDROME; OPD II SYNDROME; Otopalatodigital Syndrome Type 2 (FLNA-OPD2); Otopalatodigital Syndrome, Type II. Identifiers: Orphanet 669, Orphanet 90652, MedGen C1844696, MONDO:0010571, OMIM 304120.

Submission:

Labcorp Genetics (formerly Invitae), Labcorp
Classification: Uncertain significance for Oto-palato-digital syndrome, type II; Heterotopia, periventricular, X-linked dominant; Frontometaphyseal dysplasia; Melnick-Needles syndrome. Last evaluated: 2022-03-18. Review status: criteria provided, single submitter. Criteria: Invitae Variant Classification Sherloc (09022015). Collection method: clinical testing. Allele origin: germline.
Comment: This sequence change replaces proline, which is neutral and non-polar, with leucine, which is neutral and non-polar, at codon 1056 of the FLNA protein (p.Pro1056Leu). This variant is not present in population databases (gnomAD no frequency). This variant has not been reported in the literature in individuals affected with FLNA-related conditions. Algorithms developed to predict the effect of missense changes on protein structure and function (SIFT, PolyPhen-2, Align-GVGD) all suggest that this variant is likely to be disruptive. In summary, the available evidence is currently insufficient to determine the role of this variant in disease. Therefore, it has been classified as a Variant of Uncertain Significance.

NM_001110556.2(FLNA):c.3167C>T (p.Pro1056Leu)

Gene: FLNA (filamin A; minus strand). Cytogenetic location: Xq28.
Variant type: single nucleotide variant.
Coding change: c.3167C>T on transcript NM_001110556.2 (MANE Select); coding-DNA position 3167, C replaced by T.
Protein change: p.Pro1056Leu; replaces proline 1056 with leucine.
Molecular consequence: missense variant.
Genome position (GRCh38, 1-based): chrX:154,361,348, G>A on the plus strand (C>T on the coding strand, the complement: FLNA is on the minus strand). VCF-style: chrX-154361348-G-A. GRCh37 (hg19) VCF-style: chrX-153589716-G-A.
Other names: c.3167C>T, p.Pro1056Leu (NM_001456.4); short protein forms P1056L.
Identifiers: ClinVar variation 2113899 (VCV002113899.4), dbSNP rs2522744843, ClinGen allele CA415229956.